The following is an entry in ClinVar:

NM_000081.4(LYST):c.3223G>A (p.Val1075Met)

Gene: LYST (lysosomal trafficking regulator; minus strand). Cytogenetic location: 1q42.3.
Variant type: single nucleotide variant.
Coding change: c.3223G>A on transcript NM_000081.4 (MANE Select); coding-DNA position 3223, G replaced by A.
Protein change: p.Val1075Met; replaces valine 1075 with methionine.
Molecular consequence: missense variant.
Genome position (GRCh38, 1-based): chr1:235,805,913, C>T on the plus strand (G>A on the coding strand, the complement: LYST is on the minus strand). VCF-style: chr1-235805913-C-T. GRCh37 (hg19) VCF-style: chr1-235969213-C-T.
Other names: c.3223G>A, p.Val1075Met (NM_001301365.1); short protein forms V1075M.
Identifiers: ClinVar variation 1964487 (VCV001964487.3), dbSNP rs767491007, ClinGen allele CA1467119.

ClinVar aggregate classification (germline): Uncertain significance. Review status: criteria provided, multiple submitters, no conflicts (2 of 4 stars). 2 submissions from 2 submitters: Uncertain significance (2). Last evaluated 2022-10-24.

Conditions:
Chédiak-Higashi syndrome (CHS). Also called: Chediak-Higashi Syndrome. Identifiers: Orphanet 167, MedGen C0007965, MONDO:0008963, OMIM 214500.
LYST-related disorder. Also called: LYST-related condition.

Allele frequency attached by ClinVar (database versions not stated): ExAC 0.00001; gnomAD exomes 0.00001.
gnomAD v4.1: 22 of 1,613,754 alleles (0.0014%); highest among the groups gnomAD compares: Non-Finnish European, 0.0018%; no homozygotes.

Submissions (2):

PreventionGenetics, part of Exact Sciences
Classification: Uncertain significance for LYST-related condition. Last evaluated: 2022-10-24. Review status: criteria provided, single submitter. Criteria: ACMG Guidelines, 2015. Collection method: clinical testing. Allele origin: germline.
Comment: The LYST c.3223G>A variant is predicted to result in the amino acid substitution p.Val1075Met. To our knowledge, this variant has not been reported in the literature. This variant is reported in 0.0026% of alleles in individuals of European (Non-Finnish) descent in gnomAD. At this time, the clinical significance of this variant is uncertain due to the absence of conclusive functional and genetic evidence.

Labcorp Genetics (formerly Invitae), Labcorp
Classification: Uncertain significance for Chédiak-Higashi syndrome. Last evaluated: 2022-09-17. Review status: criteria provided, single submitter. Criteria: Invitae Variant Classification Sherloc (09022015). Collection method: clinical testing. Allele origin: germline.
Comment: This sequence change replaces valine, which is neutral and non-polar, with methionine, which is neutral and non-polar, at codon 1075 of the LYST protein (p.Val1075Met). This variant is present in population databases (rs767491007, gnomAD 0.002%). This variant has not been reported in the literature in individuals affected with LYST-related conditions. Algorithms developed to predict the effect of missense changes on protein structure and function output the following: SIFT: "Tolerated"; PolyPhen-2: "Benign"; Align-GVGD: "Class C0". The methionine amino acid residue is found in multiple mammalian species, which suggests that this missense change does not adversely affect protein function. In summary, the available evidence is currently insufficient to determine the role of this variant in disease. Therefore, it has been classified as a Variant of Uncertain Significance.